The following is an entry in ClinVar:

NM_206933.4(USH2A):c.11549G>A (p.Gly3850Glu)

Gene: USH2A (usherin; minus strand). Cytogenetic location: 1q41.
Variant type: single nucleotide variant.
Coding change: c.11549G>A on transcript NM_206933.4 (MANE Select); coding-DNA position 11549, G replaced by A.
Protein change: p.Gly3850Glu; replaces glycine 3850 with glutamic acid.
Molecular consequence: missense variant.
Genome position (GRCh38, 1-based): chr1:215,741,537, C>T on the plus strand (G>A on the coding strand, the complement: USH2A is on the minus strand). VCF-style: chr1-215741537-C-T. GRCh37 (hg19) VCF-style: chr1-215914879-C-T.
Other names: short protein forms G3850E.
Identifiers: ClinVar variation 4088174 (VCV004088174.1).

ClinVar aggregate classification (germline): Uncertain significance (1 of 4 stars; one submission).

gnomAD v4.1: 1 of 1,602,952 alleles (0.000062%); highest among the groups gnomAD compares: South Asian, 0.0011%; no homozygotes.

Submission:

GeneDx
Classification: Uncertain significance. Last evaluated: 2025-03-28. Review status: criteria provided, single submitter. Criteria: GeneDx Variant Classification Process June 2021. Collection method: clinical testing. Allele origin: germline. Affected: yes.
Comment: Not observed at significant frequency in large population cohorts (gnomAD); In silico analysis indicates that this missense variant does not alter protein structure/function; Has not been previously published as pathogenic or benign to our knowledge